The following is an entry in ClinVar:

ClinVar aggregate classification (germline): Uncertain significance (1 of 4 stars; one submission).

Conditions:
Ehlers-Danlos syndrome, kyphoscoliotic type 1 (EDSKSCL1). Also called: PLOD1-Related Kyphoscoliotic Ehlers-Danlos Syndrome; Ehlers-Danlos syndrome, hydroxylysine-deficient; EHLERS-DANLOS SYNDROME, TYPE VIA; EHLERS-DANLOS SYNDROME, OCULAR-SCOLIOTIC TYPE. Identifiers: Orphanet 1900, MedGen C0268342, MONDO:0016002, OMIM 225400. Disease mechanism: loss of function.

Submission:

Labcorp Genetics (formerly Invitae), Labcorp
Classification: Uncertain significance for Ehlers-Danlos syndrome, kyphoscoliotic type 1. Last evaluated: 2019-05-02. Review status: criteria provided, single submitter. Criteria: Invitae Variant Classification Sherloc (09022015). Collection method: clinical testing. Allele origin: germline.
Comment: In summary, the available evidence is currently insufficient to determine the role of this variant in disease. Therefore, it has been classified as a Variant of Uncertain Significance. Algorithms developed to predict the effect of missense changes on protein structure and function are either unavailable or do not agree on the potential impact of this missense change (SIFT: "Tolerated"; PolyPhen-2: "Probably Damaging"; Align-GVGD: "Class C0"). This variant has not been reported in the literature in individuals with PLOD1-related conditions. This variant is not present in population databases (ExAC no frequency). This sequence change replaces glycine with aspartic acid at codon 577 of the PLOD1 protein (p.Gly577Asp). The glycine residue is highly conserved and there is a moderate physicochemical difference between glycine and aspartic acid.

NM_000302.4(PLOD1):c.1730G>A (p.Gly577Asp)

Gene: PLOD1 (procollagen-lysine,2-oxoglutarate 5-dioxygenase 1; plus strand). Cytogenetic location: 1p36.22.
Variant type: single nucleotide variant.
Coding change: c.1730G>A on transcript NM_000302.4 (MANE Select); coding-DNA position 1730, G replaced by A.
Protein change: p.Gly577Asp; replaces glycine 577 with aspartic acid.
Molecular consequence: missense variant.
Genome position (GRCh38, 1-based): chr1:11,967,066, G>A. VCF-style: chr1-11967066-G-A. GRCh37 (hg19) VCF-style: chr1-12027123-G-A.
Other names: c.1871G>A, p.Gly624Asp (NM_001316320.2); short protein forms G577D, G624D.
Identifiers: ClinVar variation 950208 (VCV000950208.8), dbSNP rs1331435501, ClinGen allele CA338447747.
Genomic context (GRCh38, chr1:11,967,066, plus strand): 5'-GGTTCCCCATCTTCACGGAGGTGGCCTGTGATGAGCTGGTGGAGGAGATGGAGCACTTTG[G>A]CCAGTGGTCTCTGGGCAACAACAAGGTGGGACCCTGATGCCTGGGCTGGGGCCGCAGGGA-3'
Protein context (NP_000293.2, residues 567-587): DELVEEMEHF[Gly577Asp]QWSLGNNKDN